The following is an entry in ClinVar:

ClinVar aggregate classification (germline): Uncertain significance (1 of 4 stars; one submission).

Conditions:
Dyskeratosis congenita. Identifiers: Orphanet 1775, MedGen C0265965, MONDO:0015780.

Allele frequency attached by ClinVar (database versions not stated): gnomAD exomes below 0.00001; gnomAD 0.00001; TOPMed 0.00001.
gnomAD v4.1: 5 of 1,613,826 alleles (0.00031%); highest among the groups gnomAD compares: African/African-American, 0.0027%; no homozygotes.

Submission:

Labcorp Genetics (formerly Invitae), Labcorp
Classification: Uncertain significance for Dyskeratosis congenita. Last evaluated: 2022-06-03. Review status: criteria provided, single submitter. Criteria: Invitae Variant Classification Sherloc (09022015). Collection method: clinical testing. Allele origin: germline.
Comment: In summary, the available evidence is currently insufficient to determine the role of this variant in disease. Therefore, it has been classified as a Variant of Uncertain Significance. Algorithms developed to predict the effect of missense changes on protein structure and function are either unavailable or do not agree on the potential impact of this missense change (SIFT: "Deleterious"; PolyPhen-2: "Probably Damaging"; Align-GVGD: "Class C0"). ClinVar contains an entry for this variant (Variation ID: 1466556). This variant has not been reported in the literature in individuals affected with NHP2-related conditions. This variant is not present in population databases (gnomAD no frequency). This sequence change replaces proline, which is neutral and non-polar, with histidine, which is basic and polar, at codon 150 of the NHP2 protein (p.Pro150His).

NM_017838.4(NHP2):c.449C>A (p.Pro150His)

Genes: RMND5B (required for meiotic nuclear division 5 homolog B; plus strand), NHP2 (NHP2 ribonucleoprotein; minus strand). Cytogenetic location: 5q35.3.
Variant type: single nucleotide variant.
Coding change: c.449C>A on transcript NM_017838.4 (MANE Select); coding-DNA position 449, C replaced by A.
Protein change: p.Pro150His; replaces proline 150 with histidine.
Molecular consequence: missense variant. On other transcripts: 3 prime UTR variant (5).
Genome position (GRCh38, 1-based): chr5:178,149,726, G>T on the plus strand (C>A on the coding strand, the complement: NHP2 is on the minus strand). VCF-style: chr5-178149726-G-T. GRCh37 (hg19) VCF-style: chr5-177576727-G-T.
Other names: c.*70C>A (NM_001034833.2, NM_001396110.1); c.*1694G>T (NM_001288794.2, NM_001288795.2, NM_022762.5); short protein forms P150H.
Identifiers: ClinVar variation 1466556 (VCV001466556.8), dbSNP rs1401974529, ClinGen allele CA362390933.